The following is an entry in ClinVar:

NM_183357.3(ADCY5):c.84C>G (p.His28Gln)

Gene: ADCY5 (adenylate cyclase 5; minus strand). Cytogenetic location: 3q21.1.
Variant type: single nucleotide variant.
Coding change: c.84C>G on transcript NM_183357.3 (MANE Select); coding-DNA position 84, C replaced by G.
Protein change: p.His28Gln; replaces histidine 28 with glutamine.
Molecular consequence: missense variant.
Genome position (GRCh38, 1-based): chr3:123,448,462, G>C on the plus strand (C>G on the coding strand, the complement: ADCY5 is on the minus strand). VCF-style: chr3-123448462-G-C. GRCh37 (hg19) VCF-style: chr3-123167309-G-C.
Other names: c.84C>G, p.His28Gln (NM_001378259.1); short protein forms H28Q.
Identifiers: ClinVar variation 3690165 (VCV003690165.2).

ClinVar aggregate classification (germline): Uncertain significance (1 of 4 stars; one submission).

Submission:

Labcorp Genetics (formerly Invitae), Labcorp
Classification: Uncertain significance. Last evaluated: 2025-04-03. Review status: criteria provided, single submitter. Criteria: Invitae Variant Classification Sherloc (09022015). Collection method: clinical testing. Allele origin: germline.
Comment: This sequence change replaces histidine, which is basic and polar, with glutamine, which is neutral and polar, at codon 28 of the ADCY5 protein (p.His28Gln). This variant is not present in population databases (gnomAD no frequency). This variant has not been reported in the literature in individuals affected with ADCY5-related conditions. ClinVar contains an entry for this variant (Variation ID: 3690165). Invitae Evidence Modeling of protein sequence and biophysical properties (such as structural, functional, and spatial information, amino acid conservation, physicochemical variation, residue mobility, and thermodynamic stability) indicates that this missense variant is not expected to disrupt ADCY5 protein function with a negative predictive value of 95%. In summary, the available evidence is currently insufficient to determine the role of this variant in disease. Therefore, it has been classified as a Variant of Uncertain Significance.